The following is an entry in ClinVar:

NM_152743.4(BRAT1):c.706del (p.Leu236fs)

Gene: BRAT1 (BRCA1 associated ATM activator 1; minus strand). Cytogenetic location: 7p22.3.
Variant type: Deletion.
Coding change: c.706del on transcript NM_152743.4 (MANE Select); coding-DNA position 706, one base deleted (C; older notation c.706delC).
Protein change: p.Leu236fs; shifts the reading frame from leucine 236.
Molecular consequence: frameshift variant. On other transcripts: non-coding transcript variant (1).
Genome position (GRCh38, 1-based): chr7:2,543,687, G deleted on the plus strand (C on the coding strand, the reverse complement: BRAT1 is on the minus strand); the first of 3 consecutive G bases (chr7:2,543,687-2,543,689); deleting any one gives the same sequence. VCF-style (leftmost placement, unchanged base first): chr7-2543686-AG-A. GRCh37 (hg19) VCF-style: chr7-2583320-AG-A.
Other names: c.706del, p.Leu236fs (NM_001350626.2); c.181del, p.Leu61fs (NM_001350627.2); short protein forms L236fs, L61fs.
Identifiers: ClinVar variation 5019885 (VCV005019885.2).

ClinVar aggregate classification (germline): Likely pathogenic (1 of 4 stars; one submission).

Conditions:
Neonatal-onset encephalopathy with rigidity and seizures. Also called: Lethal neonatal spasticity-epileptic encephalopathy syndrome. Identifiers: Orphanet 435845, MedGen C3281029, MONDO:0013784, OMIM 614498.
Neurodevelopmental disorder with cerebellar atrophy and with or without seizures. Identifiers: MedGen C4748032, MONDO:0020841, OMIM 618056.

Submission:

Juno Genomics, Hangzhou Juno Genomics, Inc
Classification: Likely pathogenic for Neurodevelopmental disorder with cerebellar atrophy and with or without seizures; Neonatal-onset encephalopathy with rigidity and seizures. Review status: criteria provided, single submitter. Criteria: ACMG Guidelines, 2015. Collection method: clinical testing. Allele origin: germline.
Comment: Absent from controls (or at extremely low frequency if recessive) in Genome Aggregation Database.;Null variant in a gene where loss of function (LOF) is a known mechanism of disease.